The following is an entry in ClinVar:

NM_170606.3(KMT2C):c.4382T>C (p.Ile1461Thr)

Gene: KMT2C (lysine methyltransferase 2C; minus strand). Cytogenetic location: 7q36.1.
Variant type: single nucleotide variant.
Coding change: c.4382T>C on transcript NM_170606.3 (MANE Select); coding-DNA position 4382, T replaced by C.
Protein change: p.Ile1461Thr; replaces isoleucine 1461 with threonine.
Molecular consequence: missense variant.
Genome position (GRCh38, 1-based): chr7:152,194,565, A>G on the plus strand (T>C on the coding strand, the complement: KMT2C is on the minus strand). VCF-style: chr7-152194565-A-G. GRCh37 (hg19) VCF-style: chr7-151891650-A-G.
Other names: short protein forms I1461T.
Identifiers: ClinVar variation 930736 (VCV000930736.3), dbSNP rs1254246915, ClinGen allele CA370106177.

ClinVar aggregate classification (germline): Uncertain significance (1 of 4 stars; one submission).

Conditions:
Kleefstra syndrome 2 (KLEFS2). Identifiers: MedGen C4540395, MONDO:0054701, OMIM 617768.

Allele frequency attached by ClinVar (database versions not stated): gnomAD exomes 0.00001.
gnomAD v4.1: 7 of 1,611,984 alleles (0.00043%); highest among the groups gnomAD compares: Middle Eastern, 0.033%; no homozygotes.

Submission:

Centre for Mendelian Genomics, University Medical Centre Ljubljana
Classification: Uncertain significance for Kleefstra syndrome 2. Last evaluated: 2019-09-06. Review status: criteria provided, single submitter. Criteria: ACMG Guidelines, 2015. Collection method: clinical testing. Allele origin: unknown. Affected: yes.
Comment: This variant was classified as: Uncertain significance. The available evidence on this variant's pathogenicity is insufficient or conflicting. The following ACMG criteria were applied in classifying this variant: BP1.